The following is an entry in ClinVar:

ClinVar aggregate classification (germline): Uncertain significance (1 of 4 stars; one submission).

Conditions:
Candidiasis, familial, 6 (CANDF6). Also called: Candidiasis, familial, 6, autosomal dominant. Identifiers: Orphanet 1334, MedGen C3151405, MONDO:0013503, OMIM 613956.

Submission:

Labcorp Genetics (formerly Invitae), Labcorp
Classification: Uncertain significance for Candidiasis, familial, 6. Last evaluated: 2023-01-20. Review status: criteria provided, single submitter. Criteria: Invitae Variant Classification Sherloc (09022015). Collection method: clinical testing. Allele origin: germline.
Comment: Information on the frequency of this variant in the gnomAD database is not available, as this variant may be reported differently in the database. This sequence change replaces alanine, which is neutral and non-polar, with serine, which is neutral and polar, at codon 29 of the IL17F protein (p.Ala29Ser). In summary, the available evidence is currently insufficient to determine the role of this variant in disease. Therefore, it has been classified as a Variant of Uncertain Significance. Experimental studies and prediction algorithms are not available or were not evaluated, and the functional significance of this variant is currently unknown. ClinVar contains an entry for this variant (Variation ID: 1438899). This variant has not been reported in the literature in individuals affected with IL17F-related conditions.

NM_052872.4(IL17F):c.84_85delinsTT (p.Ala29Ser)

Gene: IL17F (interleukin 17F; minus strand). Cytogenetic location: 6p12.2.
Variant type: Indel.
Coding change: c.84_85delinsTT on transcript NM_052872.4 (MANE Select); coding-DNA positions 84 to 85, GG replaced by TT.
Protein change: p.Ala29Ser; replaces alanine 29 with serine.
Molecular consequence: missense variant.
Genome position (GRCh38, 1-based): chr6:52,238,899-52,238,900, CC replaced by AA on the plus strand (GG replaced by TT on the coding strand, the reverse complement: IL17F is on the minus strand). VCF-style: chr6-52238899-CC-AA. GRCh37 (hg19) VCF-style: chr6-52103697-CC-AA.
Other names: short protein forms A29S.
Identifiers: ClinVar variation 1438899 (VCV001438899.6), dbSNP rs2128267832, ClinGen allele CA2573140983.